The following is an entry in ClinVar:

NM_004006.3(DMD):c.10594_10595delinsTTTAAATGTAGGTGTAAGAAAACTTTAAAGAAACTTTAAAGTGGGG (p.Glu3532delinsPheLysCysArgCysLysLysThrLeuLysLysLeuTer)

Gene: DMD (dystrophin; minus strand). Cytogenetic location: Xp21.2.
Variant type: Indel.
Coding change: c.10594_10595delinsTTTAAATGTAGGTGTAAGAAAACTTTAAAGAAACTTTAAAGTGGGG on transcript NM_004006.3 (MANE Select); coding-DNA positions 10594 to 10595, the reference bases replaced by an inserted sequence.
Protein change: p.Glu3532delinsPheLysCysArgCysLysLysThrLeuLysLysLeuTer.
Molecular consequence: nonsense.
Genome position (GRCh38, 1-based): chrX:31,147,477-31,147,478, 2 bases replaced. GRCh37 (hg19): chrX:31,165,594-31,165,595.
Other names: c.10594_10595delGAinsTTTAAATGTAGGTGTAAGAAAACTTTAAAGAAACTTTAAAGTGGGG (NM_004006.2); c.10570_10571delinsTTTAAATGTAGGTGTAAGAAAACTTTAAAGAAACTTTAAAGTGGGG, p.Glu3524delinsPheLysCysArgCysLysLysThrLeuLysLysLeuTer (NM_000109.4); c.10582_10583delinsTTTAAATGTAGGTGTAAGAAAACTTTAAAGAAACTTTAAAGTGGGG, p.Glu3528delinsPheLysCysArgCysLysLysThrLeuLysLysLeuTer (NM_004009.3); c.10225_10226delinsTTTAAATGTAGGTGTAAGAAAACTTTAAAGAAACTTTAAAGTGGGG, p.Glu3409delinsPheLysCysArgCysLysLysThrLeuLysLysLeuTer (NM_004010.3); c.6571_6572delinsTTTAAATGTAGGTGTAAGAAAACTTTAAAGAAACTTTAAAGTGGGG, p.Glu2191delinsPheLysCysArgCysLysLysThrLeuLysLysLeuTer (NM_004011.4); c.6562_6563delinsTTTAAATGTAGGTGTAAGAAAACTTTAAAGAAACTTTAAAGTGGGG, p.Glu2188delinsPheLysCysArgCysLysLysThrLeuLysLysLeuTer (NM_004012.4); c.3214_3215delinsTTTAAATGTAGGTGTAAGAAAACTTTAAAGAAACTTTAAAGTGGGG, p.Glu1072delinsPheLysCysArgCysLysLysThrLeuLysLysLeuTer (NM_004013.3, NM_004021.3); c.2407_2408delinsTTTAAATGTAGGTGTAAGAAAACTTTAAAGAAACTTTAAAGTGGGG, p.Glu803delinsPheLysCysArgCysLysLysThrLeuLysLysLeuTer (NM_004014.3); and 4 more.
Identifiers: ClinVar variation 280418 (VCV000280418.1), dbSNP rs886041629, ClinGen allele CA10603476.

ClinVar aggregate classification (germline): Pathogenic (1 of 4 stars; one submission).

Submission:

GeneDx
Classification: Pathogenic. Last evaluated: 2016-03-10. Review status: criteria provided, single submitter. Criteria: GeneDx Variant Classification (06012015). Collection method: clinical testing. Allele origin: germline. Affected: yes.
Comment: The c.10594_10595delGAins46 pathogenic variant in the DMD gene causes a frameshift starting with codon Glutamic acid 3532, changes this amino acid to a Phenylalanine residue and creates a premature Stop codon at position 13 of the new reading frame, denoted p.Glu3532PhefsX13. This pathogenic variant is predicted to cause loss of normal protein function either through protein truncation or nonsense-mediated mRNA decay. Furthermore, the c.10594_10595delGAins46 pathogenic variant was not observed in approximately 6,500 individuals of European and African American ancestry in the NHLBI Exome Sequencing Project, indicating it is not a common benign variant in these populations.